The following is an entry in ClinVar:

ClinVar aggregate classification (germline): Likely benign (1 of 4 stars; one submission).

Allele frequency attached by ClinVar (database versions not stated): gnomAD exomes 0.00003; ExAC 0.00005; ESP Exome Variant Server 0.00008; TOPMed 0.00024; gnomAD 0.00027; 1000 Genomes Project 0.00040; 1000 Genomes Project 30x 0.00047.
gnomAD v4.1: 86 of 1,614,082 alleles (0.0053%); highest among the groups gnomAD compares: African/African-American, 0.11%; no homozygotes.

Submission:

CeGaT Center for Human Genetics Tuebingen
Classification: Likely benign. Last evaluated: 2024-06-01. Review status: criteria provided, single submitter. Criteria: CeGaT Center For Human Genetics Tuebingen Variant Classification Criteria Version 2. Collection method: clinical testing. Allele origin: germline. Affected: yes. Observed: 1 variant allele.
Comment: HECW2: BP4, BP7

NM_001348768.2(HECW2):c.3075C>T (p.Pro1025=)

Gene: HECW2 (HECT, C2 and WW domain containing E3 ubiquitin protein ligase 2; minus strand). Cytogenetic location: 2q32.3.
Variant type: single nucleotide variant.
Coding change: c.3075C>T on transcript NM_001348768.2 (MANE Select); coding-DNA position 3075, C replaced by T.
Protein change: p.Pro1025=; no amino-acid change (proline 1025 retained).
Molecular consequence: synonymous variant.
Genome position (GRCh38, 1-based): chr2:196,278,588, G>A on the plus strand (C>T on the coding strand, the complement: HECW2 is on the minus strand). VCF-style: chr2-196278588-G-A. GRCh37 (hg19) VCF-style: chr2-197143312-G-A.
Other names: c.2007C>T, p.Pro669= (NM_001304840.3); c.3075C>T, p.Pro1025= (NM_020760.4).
Identifiers: ClinVar variation 3250890 (VCV003250890.18), dbSNP rs78365912.